The following is an entry in ClinVar:

NM_001470.4(GABBR1):c.963G>A (p.Ser321=)

Gene: GABBR1 (gamma-aminobutyric acid type B receptor subunit 1; minus strand). Cytogenetic location: 6p22.1.
Variant type: single nucleotide variant.
Coding change: c.963G>A on transcript NM_001470.4 (MANE Select); coding-DNA position 963, G replaced by A.
Protein change: p.Ser321=; no amino-acid change (serine 321 retained).
Molecular consequence: synonymous variant.
Genome position (GRCh38, 1-based): chr6:29,623,305, C>T on the plus strand (G>A on the coding strand, the complement: GABBR1 is on the minus strand). VCF-style: chr6-29623305-C-T. GRCh37 (hg19) VCF-style: chr6-29591082-C-T.
Other names: c.432G>A, p.Ser144= (NM_001319053.2); c.612G>A, p.Ser204= (NM_021903.3); c.777G>A, p.Ser259= (NM_021904.4).
Identifiers: ClinVar variation 2446655 (VCV002446655.1), dbSNP rs2127435245, ClinGen allele CA449306477.

ClinVar aggregate classification (germline): Uncertain significance (1 of 4 stars; one submission).

Submission:

GeneDx
Classification: Uncertain significance. Last evaluated: 2022-08-09. Review status: criteria provided, single submitter. Criteria: GeneDx Variant Classification Process June 2021. Collection method: clinical testing. Allele origin: germline. Affected: yes.
Comment: Not observed at significant frequency in large population cohorts (gnomAD); In silico analysis supports a deleterious effect on splicing; Has not been previously published as pathogenic or benign to our knowledge; Variants in candidate genes are classified as variants of uncertain significance in accordance with ACMG guidelines (Richards et al., 2015)